The following is an entry in ClinVar:

ClinVar aggregate classification (germline): Likely pathogenic (1 of 4 stars; one submission).

Allele frequency attached by ClinVar (database versions not stated): TOPMed below 0.00001; gnomAD 0.00001.
gnomAD v4.1: 2 of 1,613,758 alleles (0.00012%); highest among the groups gnomAD compares: Non-Finnish European, 0.00017%; no homozygotes.

Submission:

Labcorp Genetics (formerly Invitae), Labcorp
Classification: Likely pathogenic. Last evaluated: 2022-04-06. Review status: criteria provided, single submitter. Criteria: Invitae Variant Classification Sherloc (09022015). Collection method: clinical testing. Allele origin: germline.
Comment: In summary, the currently available evidence indicates that the variant is pathogenic, but additional data are needed to prove that conclusively. Therefore, this variant has been classified as Likely Pathogenic. Algorithms developed to predict the effect of sequence changes on RNA splicing suggest that this variant may disrupt the consensus splice site. This variant has not been reported in the literature in individuals affected with FLNB-related conditions. This variant is not present in population databases (gnomAD no frequency). This sequence change affects a donor splice site in intron 32 of the FLNB gene. It is expected to disrupt RNA splicing. Variants that disrupt the donor or acceptor splice site typically lead to a loss of protein function (PMID: 16199547), and loss-of-function variants in FLNB are known to be pathogenic (PMID: 14991055).

Literature cited by the submitters: PubMed 16199547; PubMed 14991055.

NM_001457.4(FLNB):c.5425+1G>A

Gene: FLNB (filamin B; plus strand). Cytogenetic location: 3p14.3.
Variant type: single nucleotide variant.
Coding change: c.5425+1G>A on transcript NM_001457.4 (MANE Select); the canonical splice donor site of the intron after coding-DNA position 5425, G replaced by A.
Molecular consequence: splice donor variant.
Genome position (GRCh38, 1-based): chr3:58,143,614, G>A. VCF-style: chr3-58143614-G-A. GRCh37 (hg19) VCF-style: chr3-58129341-G-A.
Other names: c.5518+1G>A (NM_001164317.2); c.5392+1G>A (NM_001164318.2); c.5353+1G>A (NM_001164319.2).
Identifiers: ClinVar variation 1991630 (VCV001991630.4), dbSNP rs1349377950, ClinGen allele CA353354265.